The following is an entry in ClinVar:

NM_138927.4(SON):c.6424C>T (p.Pro2142Ser)

Gene: SON (SON DNA and RNA binding protein; plus strand). Cytogenetic location: 21q22.11.
Variant type: single nucleotide variant.
Coding change: c.6424C>T on transcript NM_138927.4 (MANE Select); coding-DNA position 6424, C replaced by T.
Protein change: p.Pro2142Ser; replaces proline 2142 with serine.
Molecular consequence: missense variant. On other transcripts: non-coding transcript variant (1).
Genome position (GRCh38, 1-based): chr21:33,559,332, C>T. VCF-style: chr21-33559332-C-T. GRCh37 (hg19) VCF-style: chr21-34931638-C-T.
Other names: c.508C>T, p.Pro170Ser (NM_001291412.3); c.6424C>T, p.Pro2142Ser (NM_032195.3); short protein forms P170S, P2142S.
Identifiers: ClinVar variation 4823244 (VCV004823244.4).

ClinVar aggregate classification (germline): Uncertain significance (1 of 4 stars; one submission).

Submission:

CeGaT Center for Human Genetics Tuebingen
Classification: Uncertain significance. Last evaluated: 2026-02-01. Review status: criteria provided, single submitter. Criteria: CeGaT Center For Human Genetics Tuebingen Variant Classification Criteria Version 2. Collection method: clinical testing. Allele origin: germline. Affected: yes. Observed: 1 variant allele.
Comment: SON: PM2, PP2, BP4